The following is an entry in ClinVar:

NM_000512.5(GALNS):c.125G>A (p.Gly42Glu)

Gene: GALNS (galactosamine (N-acetyl)-6-sulfatase; minus strand). Cytogenetic location: 16q24.3.
Variant type: single nucleotide variant.
Coding change: c.125G>A on transcript NM_000512.5 (MANE Select); coding-DNA position 125, G replaced by A.
Protein change: p.Gly42Glu; replaces glycine 42 with glutamic acid.
Molecular consequence: missense variant. On other transcripts: intron variant (1).
Genome position (GRCh38, 1-based): chr16:88,842,825, C>T on the plus strand (G>A on the coding strand, the complement: GALNS is on the minus strand). VCF-style: chr16-88842825-C-T. GRCh37 (hg19) VCF-style: chr16-88909233-C-T.
Other names: c.143G>A, p.Gly48Glu (NM_001323544.2); c.-311-854G>A (NM_001323543.2); short protein forms G42E, G48E.
Identifiers: ClinVar variation 1048380 (VCV001048380.3), dbSNP rs2143005560, ClinGen allele CA397092169.

ClinVar aggregate classification (germline): Uncertain significance (1 of 4 stars; one submission).

Conditions:
Mucopolysaccharidosis, MPS-IV-A (MPS4A). Also called: Mucopolysaccharidosis type IV A; Mucopolysaccharidosis Type IVA; Morquio syndrome A, mild; MORQUIO SYNDROME A; MPS IVA; mucopolysaccharidosis type 4A. Identifiers: Orphanet 309297, Orphanet 582, MedGen C0086651, MONDO:0009659, OMIM 253000.

Submission:

Laboratory of Diagnosis and Therapy of Lysosomal Disorders, University of Padova
Classification: Uncertain significance for Mucopolysaccharidosis, MPS-IV-A. Last evaluated: 2021-02-01. Review status: criteria provided, single submitter. Criteria: ACMG Guidelines, 2015. Collection method: curation. Allele origin: germline. Affected: yes.
Comment: Absent from gnomAD v2.1.1 (PM2_moderate); multiple lines of computational evidence support a deleterious effect on the gene (PP3_supporting)

Literature cited by the submitters: PubMed 16287098; PubMed 23876334; PubMed 34387910.